The following is an entry in ClinVar:

ClinVar aggregate classification (germline): Uncertain significance. Review status: criteria provided, multiple submitters, no conflicts (2 of 4 stars). 5 submissions from 5 submitters: Uncertain significance (5). Last evaluated 2025-12-09.

Conditions:
Hereditary cancer-predisposing syndrome. Also called: Neoplastic Syndromes, Hereditary; Hereditary Cancer Syndrome; Tumor predisposition; Hereditary neoplastic syndrome. Identifiers: Orphanet 140162, MedGen C0027672, MeSH D009386, MONDO:0015356.
Familial cancer of breast. Also called: hereditary breast carcinoma; Hereditary breast cancer; BREAST CANCER, FAMILIAL. Identifiers: Orphanet 227535, MedGen C0346153, MONDO:0016419, OMIM 114480. Disease mechanism: loss of function.

Submissions (5):

Labcorp Genetics (formerly Invitae), Labcorp
Classification: Uncertain significance for Familial cancer of breast. Last evaluated: 2025-12-09. Review status: criteria provided, single submitter. Criteria: Invitae Variant Classification Sherloc (09022015). Collection method: clinical testing. Allele origin: germline.
Comment: This sequence change replaces proline, which is neutral and non-polar, with isoleucine, which is neutral and non-polar, at codon 759 of the BARD1 protein (p.Pro759Ile). Information on the frequency of this variant in the gnomAD database is not available, as this variant may be reported differently in the database. This variant has not been reported in the literature in individuals affected with BARD1-related conditions. ClinVar contains an entry for this variant (Variation ID: 992588). An algorithm developed to predict the effect of missense changes on protein structure and function (PolyPhen-2) suggests that this variant is likely to be disruptive. In summary, the available evidence is currently insufficient to determine the role of this variant in disease. Therefore, it has been classified as a Variant of Uncertain Significance.

Ambry Genetics
Classification: Uncertain significance for Hereditary cancer-predisposing syndrome. Last evaluated: 2025-11-03. Review status: criteria provided, single submitter. Criteria: Ambry Variant Classification Scheme 2023. Collection method: clinical testing. Allele origin: germline.
Comment: The c.2275_2276delCCinsAT variant (also known as p.P759I), located in coding exon 11 of the BARD1 gene, results from an in-frame deletion of CC and insertion of AT at nucleotide positions 2275 to 2276. This results in the substitution of the proline residue for a isoleucine residue at codon 759, an amino acid with similar properties. This amino acid position is well conserved in available vertebrate species. In addition, this variant is predicted to be deleterious by in silico analysis (Choi Y et al. PLoS ONE. 2012; 7(10):e46688). Based on the available evidence, the clinical significance of this variant remains unclear.

Baylor Genetics
Classification: Uncertain significance for Familial cancer of breast. Last evaluated: 2024-01-23. Review status: criteria provided, single submitter. Criteria: ACMG Guidelines, 2015. Collection method: clinical testing. Allele origin: unknown.

Color Diagnostics, LLC DBA Color Health
Classification: Uncertain significance for Hereditary cancer-predisposing syndrome. Last evaluated: 2023-12-05. Review status: criteria provided, single submitter. Criteria: ACMG Guidelines, 2015. Collection method: clinical testing. Allele origin: germline.
Comment: This missense variant replaces proline with isoleucine at codon 759 of the BARD1 protein. To our knowledge, functional studies have not been reported for this variant. This variant has not been reported in individuals affected with hereditary cancer in the literature. This variant has not been identified in the general population by the Genome Aggregation Database (gnomAD). The available evidence is insufficient to determine the role of this variant in disease conclusively. Therefore, this variant is classified as a Variant of Uncertain Significance.

Institute of Human Genetics, University of Goettingen
Classification: Uncertain significance for Familial cancer of breast. Last evaluated: 2021-01-06. Review status: criteria provided, single submitter. Criteria: ACMG Guidelines, 2015. Collection method: clinical testing. Allele origin: unknown. Inheritance: Autosomal dominant inheritance. Observed: 1 heterozygote.
Comment: The variant c.2275_2276delinsAT (p.(Pro759Ile)) in exon 11 of the BARD1-gene is not found in known databases (ExAC or gnomAD), it affects a highly conserved amino acid and there is a moderate physicochemical difference between Pro and Ile. This variant has a pathogenic computational verdict based on in silico prediction programs. ACMG criteria used for classification: PM2, PP3.

NM_000465.4(BARD1):c.2275_2276delinsAT (p.Pro759Ile)

Gene: BARD1 (BRCA1 associated RING domain 1; minus strand). Cytogenetic location: 2q35.
Variant type: Indel.
Coding change: c.2275_2276delinsAT on transcript NM_000465.4 (MANE Select); coding-DNA positions 2275 to 2276, CC replaced by AT.
Protein change: p.Pro759Ile; replaces proline 759 with isoleucine.
Molecular consequence: missense variant. On other transcripts: non-coding transcript variant (3).
Genome position (GRCh38, 1-based): chr2:214,728,734-214,728,735, GG replaced by AT on the plus strand (CC replaced by AT on the coding strand, the reverse complement: BARD1 is on the minus strand). VCF-style: chr2-214728734-GG-AT. GRCh37 (hg19) VCF-style: chr2-215593458-GG-AT.
Other names: c.2275_2276delCCinsAT (NM_000465.2); c.2218_2219delinsAT, p.Pro740Ile (NM_001282543.2); c.922_923delinsAT, p.Pro308Ile (NM_001282545.2); c.865_866delinsAT, p.Pro289Ile (NM_001282548.2); c.736_737delinsAT, p.Pro246Ile (NM_001282549.2); short protein forms P246I, P289I, P308I, P740I, P759I.
Identifiers: ClinVar variation 992588 (VCV000992588.11), dbSNP rs1692195261, ClinGen allele CA1139657667.